The following is an entry in ClinVar:

NM_020469.4(ABO):c.42C>A (p.Cys14Ter)

Gene: ABO (ABO, alpha 1-3-N-acetylgalactosaminyltransferase and alpha 1-3-galactosyltransferase; minus strand). Cytogenetic location: 9q34.2.
Variant type: single nucleotide variant.
Coding change: c.42C>A on transcript NM_020469.4; coding-DNA position 42, C replaced by A.
Protein change: p.Cys14Ter; replaces cysteine 14 with a stop codon.
Molecular consequence: nonsense.
Genome position (GRCh38, 1-based): chr9:133,262,155, G>T on the plus strand (C>A on the coding strand, the complement: ABO is on the minus strand). VCF-style: chr9-133262155-G-T. GRCh37 (hg19) VCF-style: chr9-136137558-G-T.
Other names: short protein forms C14*.
Identifiers: ClinVar variation 2573150 (VCV002573150.1), dbSNP rs1554758313, ClinGen allele CA375688240.

ClinVar aggregate classification (germline): Benign (0 of 4 stars; one submission).

Conditions:
Severely weakened expression of A on erythrocytes.

Submission:

Division of Hematology and Transfusion Medicine, Lund University
Classification: Benign for Severely weakened expression of A on erythrocytes. Last evaluated: 2023-07-12. Review status: no assertion criteria provided. Collection method: clinical testing. Allele origin: somatic. Affected: yes. Observed: 1 variant allele.
Comment: c.42C>A resulting in p.Cys14* on the ABO*A1.01 allele.